The following is an entry in ClinVar:

ClinVar aggregate classification (germline): Pathogenic. Review status: criteria provided, multiple submitters, no conflicts (2 of 4 stars). 3 submissions from 3 submitters: Pathogenic (3). Last evaluated 2026-07-29.

Conditions:
Arginase deficiency. Also called: ARGININEMIA; ARG1 DEFICIENCY; Arginase 1 Deficiency. Identifiers: Orphanet 90, MedGen C0268548, MONDO:0008814, OMIM 207800.

Allele frequency attached by ClinVar (database versions not stated): gnomAD exomes below 0.00001 and 0.00001; ExAC 0.00001.

Submissions (3):

Myriad Genetics, Inc.
Classification: Pathogenic for Arginase deficiency. Last evaluated: 2026-07-29. Review status: criteria provided, single submitter. Criteria: Myriad Autosomal Dominant, Autosomal Recessive and X-Linked Classification Criteria (2023). Collection method: clinical testing. Allele origin: unknown.
Comment: NM_000045.3(ARG1):c.93delG(R32Efs*16) is a frameshift variant classified as pathogenic in the context of argininemia. R32Efs*16 has been observed in a case with relevant disease (PMID: 19936428). Relevant functional assessments of this variant are not available in the literature. R32Efs*16 has been observed in referenced population frequency databases. In summary, NM_000045.3(ARG1):c.93delG(R32Efs*16) is a frameshift variant in a gene where loss of function is a known mechanism of disease, is predicted to disrupt protein function, and has been observed more frequently in cases with the relevant disease than in healthy populations. Please note: this variant was assessed in the context of healthy population screening.

Labcorp Genetics (formerly Invitae), Labcorp
Classification: Pathogenic for Arginase deficiency. Last evaluated: 2023-05-11. Review status: criteria provided, single submitter. Criteria: Invitae Variant Classification Sherloc (09022015). Collection method: clinical testing. Allele origin: germline.
Comment: For these reasons, this variant has been classified as Pathogenic. Algorithms developed to predict the effect of sequence changes on RNA splicing suggest that this variant may disrupt the consensus splice site. ClinVar contains an entry for this variant (Variation ID: 1076486). This premature translational stop signal has been observed in individual(s) with arginase deficiency (PMID: 19936428). It has also been observed to segregate with disease in related individuals. This variant is present in population databases (rs755975244, gnomAD 0.006%). This sequence change creates a premature translational stop signal (p.Arg32Glufs*16) in the ARG1 gene. It is expected to result in an absent or disrupted protein product. Loss-of-function variants in ARG1 are known to be pathogenic (PMID: 7649538, 12052859).

Clinical Genetics Service, Universitary Hospital 12 de Octubre
Classification: Pathogenic for Arginase deficiency. Review status: criteria provided, single submitter. Criteria: ACMG Guidelines, 2015. Collection method: clinical testing. Allele origin: germline. Affected: yes.

Literature cited by the submitters: PubMed 19936428 (cited by Myriad Genetics, Inc. and Labcorp Genetics (formerly Invitae), Labcorp); PubMed 7649538 (cited by Labcorp Genetics (formerly Invitae), Labcorp); PubMed 12052859 (cited by Labcorp Genetics (formerly Invitae), Labcorp).

NM_000045.4(ARG1):c.93del (p.Arg32fs)

Genes: ARG1 (arginase 1; plus strand), MED23 (mediator complex subunit 23; minus strand). Cytogenetic location: 6q23.2.
Variant type: Deletion.
Coding change: c.93del on transcript NM_000045.4 (MANE Select); coding-DNA position 93, one base deleted (G; older notation c.93delG).
Protein change: p.Arg32fs; shifts the reading frame from arginine 32.
Molecular consequence: frameshift variant. On other transcripts: intron variant (2).
Genome position (GRCh38, 1-based): chr6:131,576,698, G deleted. VCF-style (leftmost placement, unchanged base first): chr6-131576697-TG-T. GRCh37 (hg19) VCF-style: chr6-131897837-TG-T.
Other names: c.93del, p.Arg32fs (NM_001244438.2, NM_001369020.1); c.4078-2403del (NM_001270521.2); c.4096-2403del (NM_015979.4); short protein forms R32fs.
Identifiers: ClinVar variation 1076486 (VCV001076486.13), dbSNP rs755975244, ClinGen allele CA3999171.